The following is an entry in ClinVar:

NM_001184.4(ATR):c.1333C>G (p.Pro445Ala)

Gene: ATR (ATR serine/threonine kinase; minus strand). Cytogenetic location: 3q23.
Variant type: single nucleotide variant.
Coding change: c.1333C>G on transcript NM_001184.4 (MANE Select); coding-DNA position 1333, C replaced by G.
Protein change: p.Pro445Ala; replaces proline 445 with alanine.
Molecular consequence: missense variant.
Genome position (GRCh38, 1-based): chr3:142,561,259, G>C on the plus strand (C>G on the coding strand, the complement: ATR is on the minus strand). VCF-style: chr3-142561259-G-C. GRCh37 (hg19) VCF-style: chr3-142280101-G-C.
Other names: c.1333C>G, p.Pro445Ala (NM_001354579.2); short protein forms P445A.
Identifiers: ClinVar variation 3331942 (VCV003331942.1).

ClinVar aggregate classification (germline): Uncertain significance (1 of 4 stars; one submission).

Conditions:
Inborn genetic diseases. Identifiers: MedGen C0950123, MeSH D030342.

Submission:

Ambry Genetics
Classification: Uncertain significance for Inborn genetic diseases. Last evaluated: 2024-05-17. Review status: criteria provided, single submitter. Criteria: Ambry Variant Classification Scheme 2023. Collection method: clinical testing. Allele origin: germline.
Comment: The p.P445A variant (also known as c.1333C>G), located in coding exon 5 of the ATR gene, results from a C to G substitution at nucleotide position 1333. The proline at codon 445 is replaced by alanine, an amino acid with highly similar properties. This amino acid position is conserved. In addition, this alteration is predicted to be tolerated by in silico analysis. Based on the available evidence, the clinical significance of this variant remains unclear.